The following is an entry in ClinVar:

NM_030962.4(SBF2):c.4127C>T (p.Ala1376Val)

Gene: SBF2 (SET binding factor 2; minus strand). Cytogenetic location: 11p15.4.
Variant type: single nucleotide variant.
Coding change: c.4127C>T on transcript NM_030962.4 (MANE Select); coding-DNA position 4127, C replaced by T.
Protein change: p.Ala1376Val; replaces alanine 1376 with valine.
Molecular consequence: missense variant.
Genome position (GRCh38, 1-based): chr11:9,812,560, G>A on the plus strand (C>T on the coding strand, the complement: SBF2 is on the minus strand). VCF-style: chr11-9812560-G-A. GRCh37 (hg19) VCF-style: chr11-9834107-G-A.
Other names: c.4223C>T, p.Ala1408Val (NM_001386339.1); c.3998C>T, p.Ala1333Val (NM_001386342.1); short protein forms A1333V, A1376V, A1408V.
Identifiers: ClinVar variation 1047558 (VCV001047558.7), dbSNP rs922840746, ClinGen allele CA217622230.

ClinVar aggregate classification (germline): Uncertain significance. Review status: criteria provided, multiple submitters, no conflicts (2 of 4 stars). 2 submissions from 2 submitters: Uncertain significance (2). Last evaluated 2022-03-15.

Conditions:
Charcot-Marie-Tooth disease type 4. Also called: Charcot-Marie-Tooth disease, type IV; Charcot-Marie-Tooth, Type 4. Identifiers: Orphanet 64749, MedGen C4082197, MONDO:0018995.

Allele frequency attached by ClinVar (database versions not stated): gnomAD exomes below 0.00001 and 0.00001; TOPMed 0.00002; gnomAD 0.00003 and 0.00004.
gnomAD v4.1: 25 of 1,614,060 alleles (0.0015%); highest among the groups gnomAD compares: Non-Finnish European, 0.0019%; no homozygotes.

Submissions (2):

GeneDx
Classification: Uncertain significance. Last evaluated: 2022-03-15. Review status: criteria provided, single submitter. Criteria: GeneDx Variant Classification Process June 2021. Collection method: clinical testing. Allele origin: germline. Affected: yes.
Comment: Not observed at significant frequency in large population cohorts (gnomAD); In silico analysis supports that this missense variant does not alter protein structure/function; Has not been previously published as pathogenic or benign to our knowledge

Labcorp Genetics (formerly Invitae), Labcorp
Classification: Uncertain significance for Charcot-Marie-Tooth disease type 4. Last evaluated: 2021-09-01. Review status: criteria provided, single submitter. Criteria: Invitae Variant Classification Sherloc (09022015). Collection method: clinical testing. Allele origin: germline.
Comment: This sequence change replaces alanine with valine at codon 1376 of the SBF2 protein (p.Ala1376Val). The alanine residue is moderately conserved and there is a small physicochemical difference between alanine and valine. This variant is not present in population databases (ExAC no frequency). This variant has not been reported in the literature in individuals affected with SBF2-related conditions. Algorithms developed to predict the effect of missense changes on protein structure and function (SIFT, PolyPhen-2, Align-GVGD) all suggest that this variant is likely to be tolerated. In summary, the available evidence is currently insufficient to determine the role of this variant in disease. Therefore, it has been classified as a Variant of Uncertain Significance.